The following is an entry in ClinVar:

ClinVar aggregate classification (germline): Uncertain significance (1 of 4 stars; one submission).

Allele frequency attached by ClinVar (database versions not stated): gnomAD exomes below 0.00001.
gnomAD v4.1: 1 of 1,611,180 alleles (0.000062%); highest among the groups gnomAD compares: Non-Finnish European, 0.000085%; no homozygotes.

Submission:

Labcorp Genetics (formerly Invitae), Labcorp
Classification: Uncertain significance. Last evaluated: 2024-05-20. Review status: criteria provided, single submitter. Criteria: Invitae Variant Classification Sherloc (09022015). Collection method: clinical testing. Allele origin: germline.
Comment: This sequence change replaces leucine, which is neutral and non-polar, with phenylalanine, which is neutral and non-polar, at codon 592 of the CCDC88A protein (p.Leu592Phe). This variant is not present in population databases (gnomAD no frequency). This variant has not been reported in the literature in individuals affected with CCDC88A-related conditions. ClinVar contains an entry for this variant (Variation ID: 2120061). An algorithm developed to predict the effect of missense changes on protein structure and function (PolyPhen-2) suggests that this variant is likely to be disruptive. In summary, the available evidence is currently insufficient to determine the role of this variant in disease. Therefore, it has been classified as a Variant of Uncertain Significance.

NM_001365480.1(CCDC88A):c.1774C>T (p.Leu592Phe)

Gene: CCDC88A (coiled-coil and HOOK domain protein 88A; minus strand). Cytogenetic location: 2p16.1.
Variant type: single nucleotide variant.
Coding change: c.1774C>T on transcript NM_001365480.1 (MANE Select); coding-DNA position 1774, C replaced by T.
Protein change: p.Leu592Phe; replaces leucine 592 with phenylalanine.
Molecular consequence: missense variant.
Genome position (GRCh38, 1-based): chr2:55,335,047, G>A on the plus strand (C>T on the coding strand, the complement: CCDC88A is on the minus strand). VCF-style: chr2-55335047-G-A. GRCh37 (hg19) VCF-style: chr2-55562183-G-A.
Other names: c.1774C>T, p.Leu592Phe (NM_001135597.2, NM_001254943.2, NM_018084.5); short protein forms L592F.
Identifiers: ClinVar variation 2120061 (VCV002120061.4), dbSNP rs1685316329, ClinGen allele CA346902080.